The following is an entry in ClinVar:

ClinVar aggregate classification (germline): Uncertain significance (1 of 4 stars; one submission).

Submission:

Labcorp Genetics (formerly Invitae), Labcorp
Classification: Uncertain significance. Last evaluated: 2021-12-02. Review status: criteria provided, single submitter. Criteria: Invitae Variant Classification Sherloc (09022015). Collection method: clinical testing. Allele origin: germline.
Comment: This variant has not been reported in the literature in individuals affected with DARS2-related conditions. Advanced modeling of protein sequence and biophysical properties (such as structural, functional, and spatial information, amino acid conservation, physicochemical variation, residue mobility, and thermodynamic stability) performed at Invitae indicates that this missense variant is not expected to disrupt DARS2 protein function. In summary, the available evidence is currently insufficient to determine the role of this variant in disease. Therefore, it has been classified as a Variant of Uncertain Significance. This variant is not present in population databases (gnomAD no frequency). This sequence change replaces isoleucine, which is neutral and non-polar, with valine, which is neutral and non-polar, at codon 512 of the DARS2 protein (p.Ile512Val).

NM_018122.5(DARS2):c.1534A>G (p.Ile512Val)

Gene: DARS2 (aspartyl-tRNA synthetase 2, mitochondrial; plus strand). Cytogenetic location: 1q25.1.
Variant type: single nucleotide variant.
Coding change: c.1534A>G on transcript NM_018122.5 (MANE Select); coding-DNA position 1534, A replaced by G.
Protein change: p.Ile512Val; replaces isoleucine 512 with valine.
Molecular consequence: missense variant.
Genome position (GRCh38, 1-based): chr1:173,853,538, A>G. VCF-style: chr1-173853538-A-G. GRCh37 (hg19) VCF-style: chr1-173822676-A-G.
Other names: c.1381A>G, p.Ile461Val (NM_001365212.1); short protein forms I512V, I461V.
Identifiers: ClinVar variation 1506296 (VCV001506296.8), dbSNP rs2102662443, ClinGen allele CA343766682.
Genomic context (GRCh38, chr1:173,853,538, plus strand): 5'-GAAAATCCCAGAGAGCTGGAATCGGCCCACCACCCATTTACTGCTCCCCACCCCAGTGAC[A>G]TACATCTCCTGTACACTGAGCCCAAAAAGGTACCGTATCTATACTTCCAAATCAAAAGGA-3'
Protein context (NP_060592.2, residues 502-522): HPFTAPHPSD[Ile512Val]HLLYTEPKKA